The following is an entry in ClinVar:

NM_005321.3(H1-4):c.430delinsCC (p.Ala144fs)

Gene: H1-4 (H1.4 linker histone, cluster member; plus strand). Cytogenetic location: 6p22.2.
Variant type: Indel.
Coding change: c.430delinsCC on transcript NM_005321.3 (MANE Select); coding-DNA position 430, G replaced by CC.
Protein change: p.Ala144fs; shifts the reading frame from alanine 144.
Molecular consequence: frameshift variant.
Genome position (GRCh38, 1-based): chr6:26,156,820, G replaced by CC. VCF-style: chr6-26156820-G-CC. GRCh37 (hg19) VCF-style: chr6-26157048-G-CC.
Other names: short protein forms A144fs.
Identifiers: ClinVar variation 817475 (VCV000817475.1), dbSNP rs1581429447, ClinGen allele CA915944168.

ClinVar aggregate classification (germline): Pathogenic (1 of 4 stars; one submission).

Submission:

GeneDx
Classification: Pathogenic. Last evaluated: 2019-02-20. Review status: criteria provided, single submitter. Criteria: GeneDx Variant Classification (06012015). Collection method: clinical testing. Allele origin: germline. Affected: yes.
Comment: The c.430delGinsCC variant in the HIST1H1E gene has not been published as a pathogenic variant, nor has it been reported as a benign variant to our knowledge. The c.430delGinsCC variant causes a frameshift starting with codon Alanine 144, changes this amino acid to a Proline residue and creates a premature Stop codon at position 52 of the new reading frame, denoted p.Ala144ProfsX52. This pathogenic variant is predicted to cause loss of normal protein function through protein truncation as the last 76 amino acids of the HIST1H1E protein are replaced by 51 incorrect amino acids. The c.430delGinsCC variant is not observed in large population cohorts (Lek et al., 2016). Therefore, this variant is considered a pathogenic variant, and its presence is consistent with an HIST1H1E-related disorder.